The following is an entry in ClinVar:

NM_080680.3(COL11A2):c.1441G>A (p.Ala481Thr)

Gene: COL11A2 (collagen type XI alpha 2 chain; minus strand). Cytogenetic location: 6p21.32.
Variant type: single nucleotide variant.
Coding change: c.1441G>A on transcript NM_080680.3 (MANE Select); coding-DNA position 1441, G replaced by A.
Protein change: p.Ala481Thr; replaces alanine 481 with threonine.
Molecular consequence: missense variant.
Genome position (GRCh38, 1-based): chr6:33,179,724, C>T on the plus strand (G>A on the coding strand, the complement: COL11A2 is on the minus strand). VCF-style: chr6-33179724-C-T. GRCh37 (hg19) VCF-style: chr6-33147501-C-T.
Other names: c.1261G>A, p.Ala421Thr (NM_001424108.1); c.595G>A, p.Ala199Thr (NM_001424109.1); c.415G>A, p.Ala139Thr (NM_001424110.1, NM_001424111.1); c.1120G>A, p.Ala374Thr (NM_080679.3); c.1183G>A, p.Ala395Thr (NM_080681.3); short protein forms A139T, A199T, A374T, A395T, A421T, A481T.
Identifiers: ClinVar variation 4801326 (VCV004801326.1).

ClinVar aggregate classification (germline): Uncertain significance (1 of 4 stars; one submission).

Submission:

Labcorp Genetics (formerly Invitae), Labcorp
Classification: Uncertain significance. Last evaluated: 2025-12-24. Review status: criteria provided, single submitter. Criteria: Invitae Variant Classification Sherloc (09022015). Collection method: clinical testing. Allele origin: germline.
Comment: This sequence change replaces alanine, which is neutral and non-polar, with threonine, which is neutral and polar, at codon 481 of the COL11A2 protein (p.Ala481Thr). This variant is not present in population databases (gnomAD no frequency). This missense change has been observed in individual(s) with scoliosis (PMID: 26566670). This variant is also known as ALA374THR. Invitae Evidence Modeling of protein sequence and biophysical properties (such as structural, functional, and spatial information, amino acid conservation, physicochemical variation, residue mobility, and thermodynamic stability) indicates that this missense variant is not expected to disrupt COL11A2 protein function with a negative predictive value of 95%. In summary, the available evidence is currently insufficient to determine the role of this variant in disease. Therefore, it has been classified as a Variant of Uncertain Significance.

Literature cited by the submitters: PubMed 26566670.